The following is an entry in ClinVar:

NM_014974.3(DIP2C):c.3180G>C (p.Pro1060=)

Gene: DIP2C (DIP2 acetate--CoA ligase C (putative); minus strand). Cytogenetic location: 10p15.3.
Variant type: single nucleotide variant.
Coding change: c.3180G>C on transcript NM_014974.3 (MANE Select); coding-DNA position 3180, G replaced by C.
Protein change: p.Pro1060=; no amino-acid change (proline 1060 retained).
Molecular consequence: synonymous variant.
Genome position (GRCh38, 1-based): chr10:348,692, C>G on the plus strand (G>C on the coding strand, the complement: DIP2C is on the minus strand). VCF-style: chr10-348692-C-G. GRCh37 (hg19) VCF-style: chr10-394632-C-G.
Identifiers: ClinVar variation 3718953 (VCV003718953.2).

ClinVar aggregate classification (germline): Uncertain significance (1 of 4 stars; one submission).

gnomAD v4.1: 4 of 1,613,694 alleles (0.00025%); highest among the groups gnomAD compares: African/African-American, 0.0053%; no homozygotes.

Submission:

Labcorp Genetics (formerly Invitae), Labcorp
Classification: Uncertain significance. Last evaluated: 2024-10-13. Review status: criteria provided, single submitter. Criteria: Invitae Variant Classification Sherloc (09022015). Collection method: clinical testing. Allele origin: germline.
Comment: This sequence change affects codon 1060 of the DIP2C mRNA. It is a 'silent' change, meaning that it does not change the encoded amino acid sequence of the DIP2C protein. This variant is not present in population databases (gnomAD no frequency). This variant has not been reported in the literature in individuals affected with DIP2C-related conditions. Algorithms developed to predict the effect of sequence changes on RNA splicing suggest that this variant may disrupt the consensus splice site. In summary, the available evidence is currently insufficient to determine the role of this variant in disease. Therefore, it has been classified as a Variant of Uncertain Significance.